The following is an entry in ClinVar:

ClinVar aggregate classification (germline): Uncertain significance (1 of 4 stars; one submission).

gnomAD v4.1: 2 of 1,208,989 alleles (0.00017%); no homozygotes.

Submission:

GeneDx
Classification: Uncertain significance. Last evaluated: 2026-02-19. Review status: criteria provided, single submitter. Criteria: GeneDx Variant Classification Process June 2021. Collection method: clinical testing. Allele origin: germline.
Comment: In silico analysis supports that this missense variant has a deleterious effect on protein structure/function; Has not been previously published as pathogenic or benign to our knowledge

NM_173495.3(PTCHD1):c.1691T>C (p.Ile564Thr)

Gene: PTCHD1 (patched domain containing 1; plus strand). Cytogenetic location: Xp22.11.
Variant type: single nucleotide variant.
Coding change: c.1691T>C on transcript NM_173495.3 (MANE Select); coding-DNA position 1691, T replaced by C.
Protein change: p.Ile564Thr; replaces isoleucine 564 with threonine.
Molecular consequence: missense variant.
Genome position (GRCh38, 1-based): chrX:23,393,209, T>C. VCF-style: chrX-23393209-T-C. GRCh37 (hg19) VCF-style: chrX-23411326-T-C.
Other names: short protein forms I564T.
Identifiers: ClinVar variation 3769965 (VCV003769965.2).